The following is an entry in ClinVar:

ClinVar aggregate classification (germline): Benign/Likely benign. Review status: criteria provided, multiple submitters, no conflicts (2 of 4 stars). 6 submissions from 6 submitters: Benign (3); Likely benign (1). 2 of the submissions do not count toward it. Last evaluated 2025-08-24.

Conditions:
Tuberous sclerosis syndrome (TSC). Also called: Tuberous Sclerosis Complex; Tuberous sclerosis. Identifiers: Orphanet 805, MedGen C0041341, MONDO:0001734.
Tuberous sclerosis 1 (TSC1). Identifiers: Orphanet 805, MedGen C1854465, MONDO:0008612, OMIM 191100.
TSC1-related disorder. Also called: TSC1-related condition.
Hereditary cancer-predisposing syndrome. Also called: Tumor predisposition; Hereditary Cancer Syndrome; Neoplastic Syndromes, Hereditary; Hereditary neoplastic syndrome. Identifiers: Orphanet 140162, MedGen C0027672, MeSH D009386, MONDO:0015356.

Submissions (6):

Labcorp Genetics (formerly Invitae), Labcorp
Classification: Benign for Tuberous sclerosis 1. Last evaluated: 2025-08-24. Review status: criteria provided, single submitter. Criteria: Invitae Variant Classification Sherloc (09022015). Collection method: clinical testing. Allele origin: germline.

Color Diagnostics, LLC DBA Color Health
Classification: Benign for Tuberous sclerosis syndrome. Last evaluated: 2025-08-04. Review status: criteria provided, single submitter. Criteria: ACMG Guidelines, 2015. Collection method: clinical testing. Allele origin: germline.

Myriad Genetics, Inc.
Classification: Likely benign for Tuberous sclerosis 1. Last evaluated: 2025-04-29. Review status: criteria provided, single submitter. Criteria: Myriad Autosomal Dominant, Autosomal Recessive and X-Linked Classification Criteria (2023). Collection method: clinical testing. Allele origin: unknown.
Comment: This variant is considered likely benign. This variant has been observed at a population frequency that is significantly greater than expected given the associated disease prevalence and penetrance.

Ambry Genetics
Classification: Benign for Hereditary cancer-predisposing syndrome. Last evaluated: 2021-02-26. Review status: criteria provided, single submitter. Criteria: Ambry Variant Classification Scheme 2023. Collection method: clinical testing. Allele origin: germline.

PreventionGenetics, part of Exact Sciences
Classification: Likely benign for TSC1-related condition. Last evaluated: 2020-08-21. Review status: no assertion criteria provided. Collection method: clinical testing. Allele origin: germline. Not counted in ClinVar's aggregate classification.
Comment: This variant is classified as likely benign based on ACMG/AMP sequence variant interpretation guidelines (Richards et al. 2015 PMID: 25741868, with internal and published modifications).

Tuberous sclerosis database (TSC1)
No classification provided. Condition: TSC. Review status: no classification provided. Criteria: Tuberous Sclerosis Database Assertion Criteria 2015. Collection method: curation. Allele origin: germline. Affected: yes. Not counted in ClinVar's aggregate classification.

Literature cited by the submitters: PubMed 22161988 (cited by Ambry Genetics).

NM_000368.5(TSC1):c.3112AGC[5] (p.Ser1043del)

Gene: TSC1 (TSC complex subunit 1; minus strand). Cytogenetic location: 9q34.13.
Variant type: Microsatellite.
Coding change: c.3112AGC[5] on transcript NM_000368.5 (MANE Select); five copies in a row of the 3-base unit AGC starting at c.3112; the reference has six copies in a row; one copy, 3 bases deleted; also written c.3127_3129del.
Protein change: p.Ser1043del; deletes serine 1043.
Molecular consequence: inframe deletion.
Genome position (GRCh38, 1-based): chr9:132,896,601-132,896,603, GCT deleted on the plus strand (AGC on the coding strand, the reverse complement: TSC1 is on the minus strand); deleting any 3 consecutive bases within chr9:132,896,601-132,896,620 gives the same sequence; the position shown is the placement nearest the transcript's 3' end. VCF-style (leftmost placement, unchanged base first): chr9-132896600-CGCT-C. GRCh37 (hg19) VCF-style: chr9-135771987-CGCT-C.
Other names: c.3127_3129delAGC (NM_000368.4); c.3109AGC[5], p.Ser1042del (NM_001162426.2); c.2959AGC[5], p.Ser992del (NM_001162427.2); c.2749AGC[5], p.Ser922del (NM_001362177.2); c.3127_3129del (NM_000368.5); short protein forms S1043del, S922del, S1042del, S992del.
Identifiers: ClinVar variation 64754 (VCV000064754.17), dbSNP rs2234980, ClinGen allele CA007176.